The following is an entry in ClinVar:

ClinVar aggregate classification (germline): Uncertain significance (1 of 4 stars; one submission).

Submission:

GeneDx
Classification: Uncertain significance. Last evaluated: 2025-06-14. Review status: criteria provided, single submitter. Criteria: GeneDx Variant Classification Process June 2021. Collection method: clinical testing. Allele origin: germline. Affected: yes.
Comment: Not observed at significant frequency in large population cohorts (gnomAD); Frameshift variant predicted to result in abnormal protein length as the last 3 amino acids are replaced with 74 different amino acids; Has not been previously published as pathogenic or benign to our knowledge

NM_024496.4(IRF2BPL):c.2378dup (p.Arg794fs)

Gene: IRF2BPL (interferon regulatory factor 2 binding protein like; minus strand). Cytogenetic location: 14q24.3.
Variant type: Duplication.
Coding change: c.2378dup on transcript NM_024496.4 (MANE Select); coding-DNA position 2378, one base duplicated (A; older notation c.2378dupA).
Protein change: p.Arg794fs; shifts the reading frame from arginine 794.
Molecular consequence: frameshift variant.
Genome position (GRCh38, 1-based): chr14:77,025,415, T duplicated on the plus strand (A on the coding strand, the reverse complement: IRF2BPL is on the minus strand). VCF-style (leftmost placement, unchanged base first): chr14-77025414-C-CT. GRCh37 (hg19) VCF-style: chr14-77491757-C-CT.
Other names: short protein forms R794fs.
Identifiers: ClinVar variation 4537599 (VCV004537599.1).